The following is an entry in ClinVar:

NM_031310.3(PLVAP):c.533T>A (p.Ile178Asn)

Gene: PLVAP (plasmalemma vesicle associated protein; minus strand). Cytogenetic location: 19p13.11.
Variant type: single nucleotide variant.
Coding change: c.533T>A on transcript NM_031310.3 (MANE Select); coding-DNA position 533, T replaced by A.
Protein change: p.Ile178Asn; replaces isoleucine 178 with asparagine.
Molecular consequence: missense variant.
Genome position (GRCh38, 1-based): chr19:17,365,932, A>T on the plus strand (T>A on the coding strand, the complement: PLVAP is on the minus strand). VCF-style: chr19-17365932-A-T. GRCh37 (hg19) VCF-style: chr19-17476741-A-T.
Other names: short protein forms I178N.
Identifiers: ClinVar variation 2090395 (VCV002090395.4), dbSNP rs2074548134, ClinGen allele CA404677124.
Genomic context (GRCh38, chr19:17,365,932, plus strand): 5'-ACCAGCTGTTCCTCCGCCACGCGTTTGTTCAGCAGCACGCTTTCCTTATCCTTAGTGCAA[A>T]TGGTCTTCTCCTTGGCTATCTCCACCTCCAGCGTCTTCACCTTCTGATTCAGCATGAAGA-3'
Protein context (NP_112600.1, residues 168-188): LEVEIAKEKT[Ile178Asn]CTKDKESVLL

ClinVar aggregate classification (germline): Uncertain significance (1 of 4 stars; one submission).

Allele frequency attached by ClinVar (database versions not stated): gnomAD 0.00001.
gnomAD v4.1: 1 of 1,613,830 alleles (0.000062%); highest among the groups gnomAD compares: African/African-American, 0.0013%; no homozygotes.

Submission:

Labcorp Genetics (formerly Invitae), Labcorp
Classification: Uncertain significance. Last evaluated: 2022-02-20. Review status: criteria provided, single submitter. Criteria: Invitae Variant Classification Sherloc (09022015). Collection method: clinical testing. Allele origin: germline.
Comment: In summary, the available evidence is currently insufficient to determine the role of this variant in disease. Therefore, it has been classified as a Variant of Uncertain Significance. Algorithms developed to predict the effect of missense changes on protein structure and function are either unavailable or do not agree on the potential impact of this missense change (SIFT: "Deleterious"; PolyPhen-2: "Benign"; Align-GVGD: "Class C0"). This variant has not been reported in the literature in individuals affected with PLVAP-related conditions. This variant is not present in population databases (gnomAD no frequency). This sequence change replaces isoleucine, which is neutral and non-polar, with asparagine, which is neutral and polar, at codon 178 of the PLVAP protein (p.Ile178Asn).